The following is an entry in ClinVar:

NM_006009.4(TUBA1A):c.125T>C (p.Ile42Thr)

Gene: TUBA1A (tubulin alpha 1a; minus strand). Cytogenetic location: 12q13.12.
Variant type: single nucleotide variant.
Coding change: c.125T>C on transcript NM_006009.4 (MANE Select); coding-DNA position 125, T replaced by C.
Protein change: p.Ile42Thr; replaces isoleucine 42 with threonine.
Molecular consequence: missense variant.
Genome position (GRCh38, 1-based): chr12:49,186,712, A>G on the plus strand (T>C on the coding strand, the complement: TUBA1A is on the minus strand). VCF-style: chr12-49186712-A-G. GRCh37 (hg19) VCF-style: chr12-49580495-A-G.
Other names: c.125T>C, p.Ile42Thr (NM_001270399.2); c.20T>C, p.Ile7Thr (NM_001270400.2); short protein forms I7T, I42T.
Identifiers: ClinVar variation 4763254 (VCV004763254.1).

ClinVar aggregate classification (germline): Uncertain significance (1 of 4 stars; one submission).

Submission:

Labcorp Genetics (formerly Invitae), Labcorp
Classification: Uncertain significance. Last evaluated: 2025-03-28. Review status: criteria provided, single submitter. Criteria: Invitae Variant Classification Sherloc (09022015). Collection method: clinical testing. Allele origin: germline.
Comment: This sequence change replaces isoleucine, which is neutral and non-polar, with threonine, which is neutral and polar, at codon 42 of the TUBA1A protein (p.Ile42Thr). This variant is present in population databases (no rsID available, gnomAD 0.007%). This variant has not been reported in the literature in individuals affected with TUBA1A-related conditions. Invitae Evidence Modeling of protein sequence and biophysical properties (such as structural, functional, and spatial information, amino acid conservation, physicochemical variation, residue mobility, and thermodynamic stability) indicates that this missense variant is not expected to disrupt TUBA1A protein function with a negative predictive value of 80%. In summary, the available evidence is currently insufficient to determine the role of this variant in disease. Therefore, it has been classified as a Variant of Uncertain Significance.